The following is an entry in ClinVar:

NM_000542.5(SFTPB):c.904T>G (p.Cys302Gly)

Gene: SFTPB (surfactant protein B; minus strand). Cytogenetic location: 2p11.2.
Variant type: single nucleotide variant.
Coding change: c.904T>G on transcript NM_000542.5 (MANE Select); coding-DNA position 904, T replaced by G.
Protein change: p.Cys302Gly; replaces cysteine 302 with glycine.
Molecular consequence: missense variant.
Genome position (GRCh38, 1-based): chr2:85,663,444, A>C on the plus strand (T>G on the coding strand, the complement: SFTPB is on the minus strand). VCF-style: chr2-85663444-A-C. GRCh37 (hg19) VCF-style: chr2-85890567-A-C.
Other names: c.904T>G, p.Cys302Gly (NM_001367281.2, NM_198843.4); short protein forms C302G.
Identifiers: ClinVar variation 1766887 (VCV001766887.2), dbSNP rs2104400347, ClinGen allele CA347487352.

ClinVar aggregate classification (germline): Likely pathogenic (1 of 4 stars; one submission).

Conditions:
Hereditary pulmonary alveolar proteinosis. Also called: Pulmonary surfactant metabolism dysfunction. Identifiers: Orphanet 264675, MedGen C3711368, MONDO:0012580.

gnomAD v4.1: 1 of 1,613,982 alleles (0.000062%); highest among the groups gnomAD compares: Non-Finnish European, 0.000085%; no homozygotes.

Submission:

Ambry Genetics
Classification: Likely pathogenic for Hereditary pulmonary alveolar proteinosis. Last evaluated: 2020-05-13. Review status: criteria provided, single submitter. Criteria: Ambry Variant Classification Scheme 2023. Collection method: clinical testing. Allele origin: germline.
Comment: The p.C314G variant (also known as p.C302G and c.940T>G), located in coding exon 8 of the SFTPB gene, results from a T to G substitution at nucleotide position 940. The cysteine at codon 314 is replaced by glycine, an amino acid with highly dissimilar properties. This variant was detected in two siblings whose phenotypes were very consistent with surfactant protein B deficiency, who each had a clear disease-causing mutation on the other allele (Nogee LM 2012, personal communication). This amino acid position is highly conserved in available vertebrate species. In addition, this alteration is predicted to be deleterious by in silico analysis. Based on the majority of available evidence to date, this variant is likely to be pathogenic.